The following is an entry in ClinVar:

NM_002003.5(FCN1):c.802T>C (p.Ser268Pro)

Gene: FCN1 (ficolin 1; minus strand). Cytogenetic location: 9q34.3.
Variant type: single nucleotide variant.
Coding change: c.802T>C on transcript NM_002003.5 (MANE Select); coding-DNA position 802, T replaced by C.
Protein change: p.Ser268Pro; replaces serine 268 with proline.
Molecular consequence: missense variant.
Genome position (GRCh38, 1-based): chr9:134,909,977, A>G on the plus strand (T>C on the coding strand, the complement: FCN1 is on the minus strand). VCF-style: chr9-134909977-A-G. GRCh37 (hg19) VCF-style: chr9-137801823-A-G.
Other names: short protein forms S268P.
Identifiers: ClinVar variation 402859 (VCV000402859.4), dbSNP rs150625869, ClinGen allele CA5321532.

ClinVar aggregate classification (germline): Uncertain significance (1 of 4 stars; one submission).

Allele frequency attached by ClinVar (database versions not stated): 1000 Genomes Project 30x 0.00062; TOPMed 0.00110; gnomAD exomes 0.00114 and 0.00192; 1000 Genomes Project 0.00080; gnomAD 0.00093 and 0.00097; ExAC 0.00101; ESP Exome Variant Server 0.00185.
gnomAD v4.1: 2,956 of 1,614,110 alleles (0.18%); highest among the groups gnomAD compares: Middle Eastern, 0.48%; 7 homozygotes.

Submission:

Laboratory for Molecular Medicine, Mass General Brigham Personalized Medicine
Classification: Uncertain significance. Last evaluated: 2016-03-28. Review status: criteria provided, single submitter. Criteria: LMM Criteria. Collection method: clinical testing. Allele origin: germline.
Comment: Variant identified in a genome or exome case(s) and assessed due to predicted null impact of the variant or pathogenic assertions in the literature or databases. Disclaimer: This variant has not undergone full assessment. The following are preliminary notes: Gene associated with immunodeficiency. However, the variant has high frequency and there is only 1 paper which describes a correlation between presence of this variant and M-ficolin levels.